The following is an entry in ClinVar:

ClinVar aggregate classification (germline): Likely pathogenic (1 of 4 stars; one submission).

Conditions:
Cardiovascular phenotype. Identifiers: MedGen CN230736.

Submission:

Molecular Diagnostic Laboratory for Inherited Cardiovascular Disease, Montreal Heart Institute
Classification: Likely pathogenic for Cardiovascular phenotype. Last evaluated: 2026-02-12. Review status: criteria provided, single submitter. Criteria: ACMG Guidelines, 2015. Collection method: clinical testing. Allele origin: germline. Affected: yes.
Comment: PVS1, PM2

NM_001267550.2(TTN):c.100018C>T (p.Gln33340Ter)

Genes: TTN-AS1 (TTN antisense RNA 1; plus strand), TTN (titin; minus strand), LOC126806420 (BRD4-independent group 4 enhancer GRCh37_chr2:179401104-179402303; plus strand). Cytogenetic location: 2q31.2.
Variant type: single nucleotide variant.
Coding change: c.100018C>T on transcript NM_001267550.2 (MANE Select); coding-DNA position 100018, C replaced by T.
Protein change: p.Gln33340Ter; replaces glutamine 33340 with a stop codon.
Molecular consequence: nonsense.
Genome position (GRCh38, 1-based): chr2:178,537,091, G>A on the plus strand (C>T on the coding strand, the complement: TTN is on the minus strand). VCF-style: chr2-178537091-G-A. GRCh37 (hg19) VCF-style: chr2-179401818-G-A.
Other names: c.95095C>T, p.Gln31699Ter (NM_001256850.1); c.72823C>T, p.Gln24275Ter (NM_003319.4); c.92314C>T, p.Gln30772Ter (NM_133378.4); c.73198C>T, p.Gln24400Ter (NM_133432.3); c.73399C>T, p.Gln24467Ter (NM_133437.4); short protein forms Q24275*, Q24400*, Q24467*, Q30772*, Q31699*, Q33340*.
Identifiers: ClinVar variation 4820518 (VCV004820518.1).